The following is an entry in ClinVar:

NM_139076.3(ABRAXAS1):c.1144G>C (p.Ala382Pro)

Gene: ABRAXAS1 (abraxas 1, BRCA1 A complex subunit; minus strand). Cytogenetic location: 4q21.23.
Variant type: single nucleotide variant.
Coding change: c.1144G>C on transcript NM_139076.3 (MANE Select); coding-DNA position 1144, G replaced by C.
Protein change: p.Ala382Pro; replaces alanine 382 with proline.
Molecular consequence: missense variant.
Genome position (GRCh38, 1-based): chr4:83,462,555, C>G on the plus strand (G>C on the coding strand, the complement: ABRAXAS1 is on the minus strand). VCF-style: chr4-83462555-C-G. GRCh37 (hg19) VCF-style: chr4-84383708-C-G.
Other names: c.1144G>C (NM_139076.2); c.817G>C, p.Ala273Pro (NM_001345962.2); short protein forms A273P, A382P.
Identifiers: ClinVar variation 1025736 (VCV001025736.9), dbSNP rs1038252853, ClinGen allele CA100678175.

ClinVar aggregate classification (germline): Uncertain significance. Review status: criteria provided, multiple submitters, no conflicts (2 of 4 stars). 2 submissions from 2 submitters: Uncertain significance (2). Last evaluated 2025-08-05.

Allele frequency attached by ClinVar (database versions not stated): TOPMed below 0.00001.

Submissions (2):

Ambry Genetics
Classification: Uncertain significance. Last evaluated: 2025-08-05. Review status: criteria provided, single submitter. Criteria: Ambry Variant Classification Scheme 2023. Collection method: clinical testing. Allele origin: germline.
Comment: The p.A382P variant (also known as c.1144G>C), located in coding exon 9 of the FAM175A gene, results from a G to C substitution at nucleotide position 1144. The alanine at codon 382 is replaced by proline, an amino acid with highly similar properties. This amino acid position is conserved. In addition, this alteration is predicted to be tolerated by in silico analysis. Based on the available evidence, the clinical significance of this variant remains unclear.

Labcorp Genetics (formerly Invitae), Labcorp
Classification: Uncertain significance. Last evaluated: 2018-03-10. Review status: criteria provided, single submitter. Criteria: Invitae Variant Classification Sherloc (09022015). Collection method: clinical testing. Allele origin: germline.
Comment: In summary, the available evidence is currently insufficient to determine the role of this variant in disease. Therefore, it has been classified as a Variant of Uncertain Significance. Algorithms developed to predict the effect of missense changes on protein structure and function (SIFT, PolyPhen-2, Align-GVGD) all suggest that this variant is likely to be tolerated, but these predictions have not been confirmed by published functional studies and their clinical significance is uncertain. This variant has not been reported in the literature in individuals with FAM175A-related disease. This variant is not present in population databases (ExAC no frequency). This sequence change replaces alanine with proline at codon 382 of the FAM175A protein (p.Ala382Pro). The alanine residue is moderately conserved and there is a small physicochemical difference between alanine and proline.